The following is an entry in ClinVar:

ClinVar aggregate classification (germline): Uncertain significance. Review status: criteria provided, multiple submitters, no conflicts (2 of 4 stars). 2 submissions from 2 submitters: Uncertain significance (2). Last evaluated 2025-11-03.

Conditions:
GLI3-related disorder. Also called: GLI3-related disorders; GLI3-related condition. Identifiers: MedGen CN239292.
Inborn genetic diseases. Identifiers: MedGen C0950123, MeSH D030342.

Allele frequency attached by ClinVar (database versions not stated): gnomAD exomes below 0.00001; TOPMed 0.00001; ExAC 0.00002; ESP Exome Variant Server 0.00008.

Submissions (2):

PreventionGenetics, part of Exact Sciences
Classification: Uncertain significance for GLI3-related condition. Last evaluated: 2025-11-03. Review status: criteria provided, single submitter. Criteria: ACMG Guidelines, 2015. Collection method: clinical testing. Allele origin: germline.
Comment: The GLI3 c.4525A>G variant is predicted to result in the amino acid substitution p.Ile1509Val. To our knowledge, this variant has not been reported in the literature. This variant is reported in 0.0033% of alleles in individuals of South Asian descent in gnomAD. At this time, the clinical significance of this variant is uncertain due to the absence of conclusive functional and genetic evidence.

Ambry Genetics
Classification: Uncertain significance for Inborn genetic diseases. Last evaluated: 2022-05-18. Review status: criteria provided, single submitter. Criteria: Ambry Variant Classification Scheme 2023. Collection method: clinical testing. Allele origin: germline.

NM_000168.6(GLI3):c.4525A>G (p.Ile1509Val)

Gene: GLI3 (GLI family zinc finger 3; minus strand). Cytogenetic location: 7p14.1.
Variant type: single nucleotide variant.
Coding change: c.4525A>G on transcript NM_000168.6 (MANE Select); coding-DNA position 4525, A replaced by G.
Protein change: p.Ile1509Val; replaces isoleucine 1509 with valine.
Molecular consequence: missense variant.
Genome position (GRCh38, 1-based): chr7:41,964,548, T>C on the plus strand (A>G on the coding strand, the complement: GLI3 is on the minus strand). VCF-style: chr7-41964548-T-C. GRCh37 (hg19) VCF-style: chr7-42004146-T-C.
Other names: short protein forms I1509V.
Identifiers: ClinVar variation 2290229 (VCV002290229.3), dbSNP rs372691047, ClinGen allele CA4230120.